The following is an entry in ClinVar:

NM_005529.7(HSPG2):c.6492G>A (p.Ala2164=)

Genes: HSPG2 (heparan sulfate proteoglycan 2; minus strand), LOC126805655 (CDK7 strongly-dependent group 2 enhancer GRCh37_chr1:22178409-22179608; plus strand). Cytogenetic location: 1p36.12.
Variant type: single nucleotide variant.
Coding change: c.6492G>A on transcript NM_005529.7 (MANE Select); coding-DNA position 6492, G replaced by A.
Protein change: p.Ala2164=; no amino-acid change (alanine 2164 retained).
Molecular consequence: synonymous variant.
Genome position (GRCh38, 1-based): chr1:21,853,018, C>T on the plus strand (G>A on the coding strand, the complement: HSPG2 is on the minus strand). VCF-style: chr1-21853018-C-T. GRCh37 (hg19) VCF-style: chr1-22179511-C-T.
Other names: c.6495G>A, p.Ala2165= (NM_001291860.2); c.6492G>A (NM_005529.6).
Identifiers: ClinVar variation 876347 (VCV000876347.10), dbSNP rs752099132, ClinGen allele CA671524.
Genomic context (GRCh38, chr1:21,853,018, plus strand): 5'-CGTGACCTGGGCGTGGGCCTGCCCGGGCACCACGCAGTTCAGATCCAGGGTCTGCCCTTC[C>T]GCCACGTGTGAGGAGGAGGGCTCGATGCGGATGGGCCGGGTGCTGCCGGGCACTGGACAC-3'
Protein context (NP_005520.4, residues 2154-2174): IRIEPSSSHV[Ala2164=]EGQTLDLNCV

ClinVar aggregate classification (germline): Conflicting classifications of pathogenicity. Review status: criteria provided, conflicting classifications (1 of 4 stars). 4 submissions from 3 submitters: Uncertain significance (2); Likely benign (1). 1 of the submissions does not count toward it. Last evaluated 2025-10-21.

Conditions:
Lethal Kniest-like syndrome (DDSH). Also called: Dyssegmental Dysplasia. Identifiers: Orphanet 1865, MedGen C1857100, MONDO:0009140, OMIM 224410.
Schwartz-Jampel syndrome. Also called: Myotonic myopathy dwarfism chondrodystrophy and ocular and facial abnormalities. Identifiers: Orphanet 800, MedGen C0036391, MONDO:0009717.
HSPG2-related disorder. Also called: HSPG2-related disorders; HSPG2-related condition.

Allele frequency attached by ClinVar (database versions not stated): ExAC 0.00003; gnomAD exomes 0.00005 and 0.00008; TOPMed 0.00007; gnomAD 0.00003.
gnomAD v4.1: 70 of 1,613,776 alleles (0.0043%); highest among the groups gnomAD compares: Middle Eastern, 0.033%; no homozygotes.

Submissions (4):

Labcorp Genetics (formerly Invitae), Labcorp
Classification: Likely benign. Last evaluated: 2025-10-21. Review status: criteria provided, single submitter. Criteria: Invitae Variant Classification Sherloc (09022015). Collection method: clinical testing. Allele origin: germline.

Illumina Laboratory Services, Illumina
Classification: Uncertain significance for Lethal Kniest-like syndrome. Last evaluated: 2018-01-13. Review status: criteria provided, single submitter. Criteria: ICSL Variant Classification Criteria 13 December 2019. Collection method: clinical testing. Allele origin: germline.

Illumina Laboratory Services, Illumina
Classification: Uncertain significance for Schwartz-Jampel syndrome type 1. Last evaluated: 2018-01-13. Review status: criteria provided, single submitter. Criteria: ICSL Variant Classification Criteria 13 December 2019. Collection method: clinical testing. Allele origin: germline.

PreventionGenetics, part of Exact Sciences
Classification: Likely benign for HSPG2-related condition. Last evaluated: 2023-07-14. Review status: no assertion criteria provided. Collection method: clinical testing. Allele origin: germline. Not counted in ClinVar's aggregate classification.
Comment: This variant is classified as likely benign based on ACMG/AMP sequence variant interpretation guidelines (Richards et al. 2015 PMID: 25741868, with internal and published modifications).